The following is an entry in ClinVar:

NM_016239.4(MYO15A):c.4176C>A (p.Tyr1392Ter)

Gene: MYO15A (myosin XVA; plus strand). Cytogenetic location: 17p11.2.
Variant type: single nucleotide variant.
Coding change: c.4176C>A on transcript NM_016239.4 (MANE Select); coding-DNA position 4176, C replaced by A.
Protein change: p.Tyr1392Ter; replaces tyrosine 1392 with a stop codon.
Molecular consequence: nonsense.
Genome position (GRCh38, 1-based): chr17:18,131,501, C>A. VCF-style: chr17-18131501-C-A. GRCh37 (hg19) VCF-style: chr17-18034815-C-A.
Other names: NM_016239.4(MYO15A):c.4176C>A; p.Tyr1392Ter; short protein forms Y1392*.
Identifiers: ClinVar variation 449526 (VCV000449526.7), dbSNP rs1199192203, ClinGen allele CA398592848.

ClinVar aggregate classification (germline): Pathogenic. Review status: reviewed by expert panel (3 of 4 stars). 4 submissions from 4 submitters: Pathogenic (1). 3 of the submissions do not count toward it. Last evaluated 2021-09-28.

Conditions:
Nonsyndromic genetic hearing loss. Also called: Non-syndromic genetic deafness; Nonsyndromic hearing loss and deafness; Nonsyndromic genetic deafness. Identifiers: Orphanet 87884, MedGen C5680182, MONDO:0019497.
Autosomal recessive nonsyndromic hearing loss 3. Also called: NEUROSENSORY NONSYNDROMIC RECESSIVE DEAFNESS 3. Identifiers: Orphanet 90636, MedGen C1838263, MONDO:0010860, OMIM 600316.

gnomAD v4.1: 4 of 1,614,002 alleles (0.00025%); highest among the groups gnomAD compares: Middle Eastern, 0.016%; 1 homozygote.

Submissions (4):

ClinGen Hearing Loss Variant Curation Expert Panel
Classification: Pathogenic for Nonsyndromic genetic hearing loss. Last evaluated: 2021-09-28. Review status: reviewed by expert panel. Criteria: clingen hl acmg specifications otof myo15a v1. Collection method: curation. Allele origin: germline. Inheritance: Autosomal recessive inheritance.
Comment: The p.Tyr1392Ter variant in MYO15A is predicted to cause a premature stop codon in biologically-relevant-exon 10/66 that leads to a truncated or absent protein in a gene in which loss-of-function is an established mechanism (PVS1). The variant was absent from gnomAD v2.1.1 ( PM2_Supporting). This variant is a proposed founder variant ain Pakistan and has been detected in 5 homozygous individuals with hearing loss from Pakistan, Iran, and Northern China (PM3; PMIDs 1754664, 26445815, DOI: DOI 10.21203/rs.3.rs-20906/v1). In summary, this variant meets criteria to be classified as pathogenic for autosomal recessive hearing loss based on the ACMG/AMP criteria applied, as specified by the Hearing Loss Expert Panel: PVS1, PM3, PM2_Supporting.

Genetics Research Center, University of Social Welfare and Rehabilitation Sciences
Classification: Pathogenic for Autosomal recessive nonsyndromic hearing loss 3. Last evaluated: 2025-12-09. Review status: criteria provided, single submitter. Criteria: ACMG Guidelines, 2015. Collection method: research. Allele origin: germline. Affected: yes. Not counted in ClinVar's aggregate classification.
Comment: The variant is not present in the gnomAD v2.1.1 dataset and has been previously reported in individual(s) affected with MYO15A-related hearing loss (PMID:31579092, 17546645). It is a stop-gain mutation expected to disrupt normal protein function either through nonsense-mediated decay (NMD) or by producing a truncated protein.

Labcorp Genetics (formerly Invitae), Labcorp
Classification: Pathogenic. Last evaluated: 2023-11-11. Review status: criteria provided, single submitter. Criteria: Invitae Variant Classification Sherloc (09022015). Collection method: clinical testing. Allele origin: germline. Not counted in ClinVar's aggregate classification.
Comment: This sequence change creates a premature translational stop signal (p.Tyr1392*) in the MYO15A gene. It is expected to result in an absent or disrupted protein product. Loss-of-function variants in MYO15A are known to be pathogenic (PMID: 17546645). This variant is not present in population databases (gnomAD no frequency). This premature translational stop signal has been observed in individual(s) with MYO15A-related conditions (PMID: 17546645). ClinVar contains an entry for this variant (Variation ID: 449526). Algorithms developed to predict the effect of sequence changes on RNA splicing suggest that this variant may disrupt the consensus splice site. For these reasons, this variant has been classified as Pathogenic.

GeneDx
Classification: Pathogenic. Last evaluated: 2018-08-08. Review status: criteria provided, single submitter. Criteria: GeneDx Variant Classification (06012015). Collection method: clinical testing. Allele origin: germline. Affected: yes. Not counted in ClinVar's aggregate classification.
Comment: The Y1392X variant in the MYO15A gene has been reported previously in association with hearing loss (Nal et al., 2007). This variant is predicted to cause loss of normal protein function either through protein truncation or nonsense-mediated mRNA decay. The Y1392X variant is not observed in large population cohorts (Lek et al., 2016; 1000 Genomes Consortium et al., 2015; Exome Variant Server). We interpret Y1392X as a pathogenic variant.

Literature cited by the submitters: PubMed 31579092 (cited by Genetics Research Center, University of Social Welfare and Rehabilitation Sciences); PubMed 17546645 (cited by Genetics Research Center, University of Social Welfare and Rehabilitation Sciences and Labcorp Genetics (formerly Invitae), Labcorp).